The following is an entry in ClinVar:

NM_000169.3(GLA):c.914del (p.Pro305fs)

Genes: GLA (galactosidase alpha; minus strand), RPL36A-HNRNPH2 (RPL36A-HNRNPH2 readthrough; plus strand). Cytogenetic location: Xq22.1.
Variant type: Deletion.
Coding change: c.914del on transcript NM_000169.3 (MANE Select); coding-DNA position 914, one base deleted (C; older notation c.914delC).
Protein change: p.Pro305fs; shifts the reading frame from proline 305.
Molecular consequence: frameshift variant. On other transcripts: non-coding transcript variant (3), intron variant (2).
Genome position (GRCh38, 1-based): chrX:101,398,455, G deleted on the plus strand (C on the coding strand, the reverse complement: GLA is on the minus strand); the first of 3 consecutive G bases (chrX:101,398,455-101,398,457); deleting any one gives the same sequence. VCF-style (leftmost placement, unchanged base first): chrX-101398454-AG-A. GRCh37 (hg19) VCF-style: chrX-100653442-AG-A.
Other names: c.1037del, p.Pro346fs (NM_001406747.1); c.914del, p.Pro305fs (NM_001406748.1); c.300+3000del (NM_001199973.2); c.177+6635del (NM_001199974.2); short protein forms P305fs, P346fs.
Identifiers: ClinVar variation 4087025 (VCV004087025.2), dbSNP rs869312446.

ClinVar aggregate classification (germline): Pathogenic (1 of 4 stars; one submission).

Conditions:
Fabry disease. Also called: ALPHA-GALACTOSIDASE A DEFICIENCY; ANDERSON-FABRY DISEASE; CERAMIDE TRIHEXOSIDASE DEFICIENCY; GLA DEFICIENCY; HEREDITARY DYSTOPIC LIPIDOSIS; Angiokeratoma corporis diffusum. Identifiers: Orphanet 324, MedGen C0002986, MONDO:0010526, OMIM 301500, HP:0001071. Disease mechanism: Fabry disease is due to inactivating mutations in the X-linked GLA gene resulting in deficiency of the enzyme Alpha Galactosidase-A., loss of function.

Submission:

Genomenon, Inc
Classification: Pathogenic for Fabry disease. Last evaluated: 2026-09-08. Review status: criteria provided, single submitter. Criteria: Genomenon Sequence Variant Interpretation Standards - Updated. Collection method: curation. Allele origin: germline. Affected: yes.
Comment: GLA p.Pro305LeufsTer12 (c.914del) is a frameshift variant that is predicted to introduce a premature termination codon and result in a truncated or absent protein product. This variant has been observed in at least one proband with clinical features consistent with Fabry disease (PMID:27356758;22710134;11804208). Functional or patient cell studies have been reported (PMID:19346951;22710134). It is absent or not present at a significant frequency in gnomAD. In conclusion, we classify GLA p.Pro305LeufsTer12 (c.914del) as a pathogenic variant.

Literature cited by the submitters: PubMed 27356758; PubMed 22710134; PubMed 11804208; PubMed 19346951.